The following is an entry in ClinVar:

NM_000110.4(DPYD):c.475G>T (p.Ala159Ser)

Gene: DPYD (dihydropyrimidine dehydrogenase; minus strand). Cytogenetic location: 1p21.3.
Variant type: single nucleotide variant.
Coding change: c.475G>T on transcript NM_000110.4 (MANE Select); coding-DNA position 475, G replaced by T.
Protein change: p.Ala159Ser; replaces alanine 159 with serine.
Molecular consequence: missense variant.
Genome position (GRCh38, 1-based): chr1:97,721,518, C>A on the plus strand (G>T on the coding strand, the complement: DPYD is on the minus strand). VCF-style: chr1-97721518-C-A. GRCh37 (hg19) VCF-style: chr1-98187074-C-A.
Other names: c.475G>T, p.Ala159Ser (NM_001160301.1); short protein forms A159S.
Identifiers: ClinVar variation 4532748 (VCV004532748.1).

ClinVar aggregate classification (germline): Uncertain significance (1 of 4 stars; one submission).

Submission:

GeneDx
Classification: Uncertain significance. Last evaluated: 2025-05-30. Review status: criteria provided, single submitter. Criteria: GeneDx Variant Classification Process June 2021. Collection method: clinical testing. Allele origin: germline. Affected: yes.
Comment: Not observed at significant frequency in large population cohorts (gnomAD); In silico analysis supports that this missense variant has a deleterious effect on protein structure/function; Has not been previously published as pathogenic or benign to our knowledge